The following is an entry in ClinVar:

NM_152393.4(KLHL40):c.1294G>T (p.Val432Phe)

Gene: KLHL40 (kelch like family member 40; plus strand). Cytogenetic location: 3p22.1.
Variant type: single nucleotide variant.
Coding change: c.1294G>T on transcript NM_152393.4 (MANE Select); coding-DNA position 1294, G replaced by T.
Protein change: p.Val432Phe; replaces valine 432 with phenylalanine.
Molecular consequence: missense variant.
Genome position (GRCh38, 1-based): chr3:42,688,283, G>T. VCF-style: chr3-42688283-G-T. GRCh37 (hg19) VCF-style: chr3-42729775-G-T.
Other names: c.1294G>T (NM_152393.2); short protein forms V432F.
Identifiers: ClinVar variation 474326 (VCV000474326.6), dbSNP rs759601864, ClinGen allele CA352293640.
Genomic context (GRCh38, chr3:42,688,283, plus strand): 5'-AACTCCATCTACGTGGTCGGTGGCAGAGAGATCAAGGACGGCGAGCGCTGCCTGGACTCG[G>T]TCATGTGCTACGACAGGCTGTGAGCATGGCTGGGGTGGGGCTGAGCTCCGTGGGGGTGAG-3'
Protein context (NP_689606.2, residues 422-442): IKDGERCLDS[Val432Phe]MCYDRLSFKW

ClinVar aggregate classification (germline): Uncertain significance. Review status: criteria provided, multiple submitters, no conflicts (2 of 4 stars). 2 submissions from 2 submitters: Uncertain significance (2). Last evaluated 2025-12-03.

Conditions:
Inborn genetic diseases. Identifiers: MedGen C0950123, MeSH D030342.
Nemaline myopathy 8 (NEM8). Also called: Nemaline myopathy 8, autosomal recessive. Identifiers: Orphanet 171430, MedGen C3809209, MONDO:0014138, OMIM 615348.

Allele frequency attached by ClinVar (database versions not stated): TOPMed 0.00001.
gnomAD v4.1: 2 of 1,613,976 alleles (0.00012%); highest among the groups gnomAD compares: Non-Finnish European, 0.00017%; no homozygotes.

Submissions (2):

Ambry Genetics
Classification: Uncertain significance for Inborn genetic diseases. Last evaluated: 2025-12-03. Review status: criteria provided, single submitter. Criteria: Ambry Variant Classification Scheme 2023. Collection method: clinical testing. Allele origin: germline.

Labcorp Genetics (formerly Invitae), Labcorp
Classification: Uncertain significance for Nemaline myopathy 8. Last evaluated: 2017-01-23. Review status: criteria provided, single submitter. Criteria: Invitae Variant Classification Sherloc (09022015). Collection method: clinical testing. Allele origin: germline.
Comment: This sequence change replaces valine with phenylalanine at codon 432 of the KLHL40 protein (p.Val432Phe). The valine residue is moderately conserved and there is a small physicochemical difference between valine and phenylalanine. This variant is not present in population databases (ExAC no frequency) and has not been reported in the literature in individuals with a KLHL40-related disease. Algorithms developed to predict the effect of missense changes on protein structure and function do not agree on the potential impact of this missense change (SIFT: "Deleterious"; PolyPhen-2: "Possibly Damaging"; Align-GVGD: "Class C0"). In summary, this variant is a novel missense change with uncertain impact on protein function. It has been classified as a Variant of Uncertain Significance.